The following is an entry in ClinVar:

ClinVar aggregate classification (germline): Uncertain significance (1 of 4 stars; one submission).

Allele frequency attached by ClinVar (database versions not stated): gnomAD exomes below 0.00001.
gnomAD v4.1: 1 of 1,600,618 alleles (0.000062%); no homozygotes.

Submission:

Labcorp Genetics (formerly Invitae), Labcorp
Classification: Uncertain significance. Last evaluated: 2021-06-16. Review status: criteria provided, single submitter. Criteria: Invitae Variant Classification Sherloc (09022015). Collection method: clinical testing. Allele origin: germline.
Comment: In summary, the available evidence is currently insufficient to determine the role of this variant in disease. Therefore, it has been classified as a Variant of Uncertain Significance. Experimental studies and prediction algorithms are not available or were not evaluated, and the functional significance of this variant is currently unknown. This variant has not been reported in the literature in individuals with COL18A1-related conditions. This variant is not present in population databases (ExAC no frequency). This sequence change replaces phenylalanine with leucine at codon 1187 of the COL18A1 protein (p.Phe1187Leu). There is a small physicochemical difference between phenylalanine and leucine.

NM_001379500.1(COL18A1):c.3568T>C (p.Phe1190Leu)

Genes: COL18A1 (collagen type XVIII alpha 1 chain; plus strand), SLC19A1 (solute carrier family 19 member 1; minus strand). Cytogenetic location: 21q22.3.
Variant type: single nucleotide variant.
Coding change: c.3568T>C on transcript NM_001379500.1 (MANE Select); coding-DNA position 3568, T replaced by C.
Protein change: p.Phe1190Leu; replaces phenylalanine 1190 with leucine.
Molecular consequence: missense variant.
Genome position (GRCh38, 1-based): chr21:45,510,136, T>C. VCF-style: chr21-45510136-T-C. GRCh37 (hg19) VCF-style: chr21-46930050-T-C.
Other names: c.4099T>C, p.Phe1367Leu (NM_030582.4); c.4804T>C, p.Phe1602Leu (NM_130444.3); short protein forms F1602L, F1190L, F1367L.
Identifiers: ClinVar variation 1361705 (VCV001361705.6), dbSNP rs2146126709, ClinGen allele CA410501588.